The following is an entry in ClinVar:

ClinVar aggregate classification (germline): Conflicting classifications of pathogenicity. Review status: criteria provided, conflicting classifications (1 of 4 stars). 5 submissions from 5 submitters: Uncertain significance (3); Likely benign (2). Last evaluated 2025-09-15.

Conditions:
Cardiovascular phenotype. Identifiers: MedGen CN230736.
Myofibrillar myopathy 5. Also called: Filaminopathy (type); FILAMINOPATHY, AUTOSOMAL DOMINANT. Identifiers: Orphanet 171445, MedGen C1836050, MONDO:0012289, OMIM 609524.
Distal myopathy with posterior leg and anterior hand involvement. Also called: WILLIAMS DISTAL MYOPATHY. Identifiers: Orphanet 63273, MedGen C3279722, MONDO:0013550, OMIM 614065.
Hypertrophic cardiomyopathy 26. Also called: Cardiomyopathy, familial hypertrophic, 26. Identifiers: Orphanet 75249, MedGen C4310749, MONDO:0014883, OMIM 617047.

Allele frequency attached by ClinVar (database versions not stated): ExAC 0.00003; gnomAD exomes 0.00004 and 0.00007; gnomAD 0.00006; TOPMed 0.00012.
gnomAD v4.1: 31 of 1,613,978 alleles (0.0019%); highest among the groups gnomAD compares: Admixed American, 0.052%; no homozygotes.

Submissions (5):

Labcorp Genetics (formerly Invitae), Labcorp
Classification: Likely benign for Distal myopathy with posterior leg and anterior hand involvement; Myofibrillar myopathy 5; Hypertrophic cardiomyopathy 26. Last evaluated: 2025-09-15. Review status: criteria provided, single submitter. Criteria: Invitae Variant Classification Sherloc (09022015). Collection method: clinical testing. Allele origin: germline.

Women's Health and Genetics/Laboratory Corporation of America, LabCorp
Classification: Likely benign. Last evaluated: 2025-03-28. Review status: criteria provided, single submitter. Criteria: LabCorp Variant Classification Summary - May 2015. Collection method: clinical testing. Allele origin: germline.

Ambry Genetics
Classification: Uncertain significance for Cardiovascular phenotype. Last evaluated: 2024-11-18. Review status: criteria provided, single submitter. Criteria: Ambry Variant Classification Scheme 2023. Collection method: clinical testing. Allele origin: germline.

GeneDx
Classification: Uncertain significance. Last evaluated: 2024-07-15. Review status: criteria provided, single submitter. Criteria: GeneDx Variant Classification Process June 2021. Collection method: clinical testing. Allele origin: germline. Affected: yes.
Comment: In silico analysis supports that this missense variant has a deleterious effect on protein structure/function; Has not been previously published as pathogenic or benign to our knowledge

Eurofins Ntd Llc (ga)
Classification: Uncertain significance. Last evaluated: 2018-01-04. Review status: criteria provided, single submitter. Criteria: EGL Classification Definitions 2015. Collection method: clinical testing. Allele origin: germline. Observed: 1 variant allele, 1 heterozygote.

NM_001458.5(FLNC):c.1505A>T (p.Lys502Met)

Gene: FLNC (filamin C; plus strand). Cytogenetic location: 7q32.1.
Variant type: single nucleotide variant.
Coding change: c.1505A>T on transcript NM_001458.5 (MANE Select); coding-DNA position 1505, A replaced by T.
Protein change: p.Lys502Met; replaces lysine 502 with methionine.
Molecular consequence: missense variant.
Genome position (GRCh38, 1-based): chr7:128,840,116, A>T. VCF-style: chr7-128840116-A-T. GRCh37 (hg19) VCF-style: chr7-128480170-A-T.
Other names: c.1505A>T, p.Lys502Met (NM_001127487.2); short protein forms K502M.
Identifiers: ClinVar variation 595542 (VCV000595542.16), dbSNP rs780486915, ClinGen allele CA4474361.